The following is an entry in ClinVar:

NM_001348716.2(KDM6B):c.2841T>C (p.Ser947=)

Gene: KDM6B (lysine demethylase 6B; plus strand). Cytogenetic location: 17p13.1.
Variant type: single nucleotide variant.
Coding change: c.2841T>C on transcript NM_001348716.2 (MANE Select); coding-DNA position 2841, T replaced by C.
Protein change: p.Ser947=; no amino-acid change (serine 947 retained).
Molecular consequence: synonymous variant.
Genome position (GRCh38, 1-based): chr17:7,849,129, T>C. VCF-style: chr17-7849129-T-C. GRCh37 (hg19) VCF-style: chr17-7752447-T-C.
Other names: c.2841T>C, p.Ser947= (NM_001080424.2).
Identifiers: ClinVar variation 4821356 (VCV004821356.4).

ClinVar aggregate classification (germline): Likely benign (1 of 4 stars; one submission).

gnomAD v4.1: 18 of 1,612,166 alleles (0.0011%); highest among the groups gnomAD compares: Admixed American, 0.027%; no homozygotes.

Submission:

CeGaT Center for Human Genetics Tuebingen
Classification: Likely benign. Last evaluated: 2026-03-01. Review status: criteria provided, single submitter. Criteria: CeGaT Center For Human Genetics Tuebingen Variant Classification Criteria Version 2. Collection method: clinical testing. Allele origin: germline. Affected: yes. Observed: 1 variant allele.
Comment: KDM6B: BP4, BP7